The following is an entry in ClinVar:

NM_001001433.3(STX16):c.-421C>G

Genes: STX16 (syntaxin 16; plus strand), STX16-NPEPL1 (STX16-NPEPL1 readthrough (NMD candidate); plus strand). Cytogenetic location: 20q13.32.
Variant type: single nucleotide variant.
Coding change: c.-421C>G on transcript NM_001001433.3 (MANE Select); 421 bases upstream of the start codon, C replaced by G.
Molecular consequence: 5 prime UTR variant. On other transcripts: non-coding transcript variant (2), intron variant (1).
Genome position (GRCh38, 1-based): chr20:58,651,586, C>G. VCF-style: chr20-58651586-C-G. GRCh37 (hg19) VCF-style: chr20-57226642-C-G.
Other names: c.-421C>G (NM_001134772.3, NM_001134773.3, NM_003763.6); c.-94+152C>G (NM_001204868.2).
Identifiers: ClinVar variation 897287 (VCV000897287.4), dbSNP rs557592494, ClinGen allele CA316297960.
Genomic context (GRCh38, chr20:58,651,586, plus strand): 5'-CCTCTGGTGCGGAAACTGAGTCACAGCCAGACCTCAGGGCACGGCCTAGACGCTTACGAG[C>G]CAAAGTTAGGGGTAGAGAGCAGAGACCTCCGGGGGGTCTCAGGGAGTAGGGGGCTTCAGG-3'

ClinVar aggregate classification (germline): Benign (1 of 4 stars; one submission).

Conditions:
Pseudohypoparathyroidism type 1B (PHP1B). Also called: Pseudohypoparathyroidism Ib (PHP-Ib); Pseudohypoparathyroidism Type IB; PHP IB. Identifiers: Orphanet 94089, MedGen C1864100, MONDO:0011301, OMIM 603233.

Allele frequency attached by ClinVar (database versions not stated): gnomAD 0.00004 and 0.00005; TOPMed 0.00005; gnomAD exomes 0.00019; 1000 Genomes Project 0.00040; 1000 Genomes Project 30x 0.00047.
gnomAD v4.1: 12 of 174,598 alleles (0.0069%); highest among the groups gnomAD compares: South Asian, 0.064%; no homozygotes.

Submission:

Illumina Laboratory Services, Illumina
Classification: Benign for Pseudohypoparathyroidism type 1B. Last evaluated: 2018-01-13. Review status: criteria provided, single submitter. Criteria: ICSL Variant Classification Criteria 13 December 2019. Collection method: clinical testing. Allele origin: germline.
Comment: This variant was observed in the ICSL laboratory as part of a predisposition screen in an ostensibly healthy population. It had not been previously curated by ICSL or reported in the Human Gene Mutation Database (HGMD: prior to June 1st, 2018), and was therefore a candidate for classification through an automated scoring system. Utilizing variant allele frequency, disease prevalence and penetrance estimates, and inheritance mode, an automated score was calculated to assess if this variant is too frequent to cause the disease. Based on the score and internal cut-off values, a variant classified as benign is not then subjected to further curation. The score for this variant resulted in a classification of benign for this disease.